The following is an entry in ClinVar:

ClinVar aggregate classification (germline): Uncertain significance (1 of 4 stars; one submission).

Conditions:
Hereditary cancer-predisposing syndrome. Also called: Tumor predisposition; Hereditary neoplastic syndrome; Neoplastic Syndromes, Hereditary; Hereditary Cancer Syndrome. Identifiers: Orphanet 140162, MedGen C0027672, MeSH D009386, MONDO:0015356.

Submission:

Ambry Genetics
Classification: Uncertain significance for Hereditary cancer-predisposing syndrome. Last evaluated: 2025-06-02. Review status: criteria provided, single submitter. Criteria: Ambry Variant Classification Scheme 2023. Collection method: clinical testing. Allele origin: germline.
Comment: The p.F1867L variant (also known as c.5601T>A), located in coding exon 25 of the DICER1 gene, results from a T to A substitution at nucleotide position 5601. The phenylalanine at codon 1867 is replaced by leucine, an amino acid with highly similar properties. This amino acid position is conserved. In addition, the in silico prediction for this alteration is inconclusive. Based on the available evidence, the clinical significance of this variant remains unclear.

NM_177438.3(DICER1):c.5601T>A (p.Phe1867Leu)

Gene: DICER1 (dicer 1, ribonuclease III; minus strand). Cytogenetic location: 14q32.13.
Variant type: single nucleotide variant.
Coding change: c.5601T>A on transcript NM_177438.3 (MANE Select); coding-DNA position 5601, T replaced by A.
Protein change: p.Phe1867Leu; replaces phenylalanine 1867 with leucine.
Molecular consequence: missense variant. On other transcripts: nonsense (1), non-coding transcript variant (6).
Genome position (GRCh38, 1-based): chr14:95,091,036, A>T on the plus strand (T>A on the coding strand, the complement: DICER1 is on the minus strand). VCF-style: chr14-95091036-A-T. GRCh37 (hg19) VCF-style: chr14-95557373-A-T.
Other names: c.5438T>A, p.Leu1813Ter (NM_001195573.1); c.5601T>A, p.Phe1867Leu (NM_001271282.3, NM_001291628.2, NM_001395677.1 and 7 more transcripts); c.5319T>A, p.Phe1773Leu (NM_001395686.1); c.5196T>A, p.Phe1732Leu (NM_001395687.1, NM_001395688.1, NM_001395689.1 and 1 more transcripts); c.5034T>A, p.Phe1678Leu (NM_001395691.1); c.3918T>A, p.Phe1306Leu (NM_001395697.1); short protein forms F1732L, F1306L, F1678L, F1773L, F1867L, L1813*.
Identifiers: ClinVar variation 4011685 (VCV004011685.1).